The following is an entry in ClinVar:

NM_172107.4(KCNQ2):c.2106G>A (p.Ser702=)

Gene: KCNQ2 (potassium voltage-gated channel subfamily Q member 2; minus strand). Cytogenetic location: 20q13.33.
Variant type: single nucleotide variant.
Coding change: c.2106G>A on transcript NM_172107.4 (MANE Select); coding-DNA position 2106, G replaced by A.
Protein change: p.Ser702=; no amino-acid change (serine 702 retained).
Molecular consequence: synonymous variant.
Genome position (GRCh38, 1-based): chr20:63,407,157, C>T on the plus strand (G>A on the coding strand, the complement: KCNQ2 is on the minus strand). VCF-style: chr20-63407157-C-T. GRCh37 (hg19) VCF-style: chr20-62038510-C-T.
Other names: p.S702S:TCG>TCA; c.2022G>A, p.Ser674= (NM_004518.6); c.2052G>A, p.Ser684= (NM_172106.3); c.2013G>A, p.Ser671= (NM_172108.5).
Identifiers: ClinVar variation 138030 (VCV000138030.23), dbSNP rs187252584, ClinGen allele CA302778.

ClinVar aggregate classification (germline): Benign. Review status: criteria provided, multiple submitters, no conflicts (2 of 4 stars). 6 submissions from 6 submitters: Benign (6). Last evaluated 2026-02-03.

Conditions:
Early-infantile DEE. Also called: Early infantile epileptic encephalopathy with suppression bursts; Ohtahara syndrome; Early infantile epileptic encephalopathy. Identifiers: Orphanet 1934, MedGen C0393706, MONDO:0800491.
Inborn genetic diseases. Identifiers: MedGen C0950123, MeSH D030342.

Allele frequency attached by ClinVar (database versions not stated): gnomAD exomes 0.00128; ExAC 0.00350; 1000 Genomes Project 0.00459; 1000 Genomes Project 30x 0.00515; gnomAD 0.00581 and 0.00635; ESP Exome Variant Server 0.00594; TOPMed 0.00692.
gnomAD v4.1: 1,795 of 1,593,666 alleles (0.11%); highest among the groups gnomAD compares: African/African-American, 2.1%; 21 homozygotes.

Submissions (6):

Labcorp Genetics (formerly Invitae), Labcorp
Classification: Benign for Early-infantile DEE. Last evaluated: 2026-02-03. Review status: criteria provided, single submitter. Criteria: Invitae Variant Classification Sherloc (09022015). Collection method: clinical testing. Allele origin: germline.

ARUP Laboratories, Molecular Genetics and Genomics, ARUP Laboratories
Classification: Benign. Last evaluated: 2024-07-15. Review status: criteria provided, single submitter. Criteria: ARUP Molecular Germline Variant Investigation Process 2024. Collection method: clinical testing. Allele origin: germline.

Ambry Genetics
Classification: Benign for Inborn genetic diseases. Last evaluated: 2016-08-16. Review status: criteria provided, single submitter. Criteria: Ambry Variant Classification Scheme 2023. Collection method: clinical testing. Allele origin: germline.

Eurofins Ntd Llc (ga)
Classification: Benign. Last evaluated: 2015-02-19. Review status: criteria provided, single submitter. Criteria: EGL Classification Definitions 2015. Collection method: clinical testing. Allele origin: germline. Observed: 1 variant allele, 1 heterozygote.

GeneDx
Classification: Benign. Last evaluated: 2013-03-21. Review status: criteria provided, single submitter. Criteria: GeneDx Variant Classification (06012015). Collection method: clinical testing. Allele origin: germline. Affected: yes.
Comment: This variant is considered likely benign or benign based on one or more of the following criteria: it is a conservative change, it occurs at a poorly conserved position in the protein, it is predicted to be benign by multiple in silico algorithms, and/or has population frequency not consistent with disease.

Breakthrough Genomics
Classification: Benign. Review status: criteria provided, single submitter. Criteria: ACMG Guidelines, 2015. Collection method: not provided. Allele origin: germline. Inheritance: Autosomal dominant inheritance. Affected: yes.